The following is an entry in ClinVar:

ClinVar aggregate classification (germline): Uncertain significance (1 of 4 stars; one submission).

gnomAD v4.1: 10 of 1,551,284 alleles (0.00064%); highest among the groups gnomAD compares: Non-Finnish European, 0.00044%; no homozygotes.

Submission:

Labcorp Genetics (formerly Invitae), Labcorp
Classification: Uncertain significance. Last evaluated: 2022-10-25. Review status: criteria provided, single submitter. Criteria: Invitae Variant Classification Sherloc (09022015). Collection method: clinical testing. Allele origin: germline.
Comment: This sequence change replaces serine, which is neutral and polar, with phenylalanine, which is neutral and non-polar, at codon 1628 of the EYS protein (p.Ser1628Phe). This variant is not present in population databases (gnomAD no frequency). This variant has not been reported in the literature in individuals affected with EYS-related conditions. ClinVar contains an entry for this variant (Variation ID: 1424080). Advanced modeling of protein sequence and biophysical properties (such as structural, functional, and spatial information, amino acid conservation, physicochemical variation, residue mobility, and thermodynamic stability) has been performed at Invitae for this missense variant, however the output from this modeling did not meet the statistical confidence thresholds required to predict the impact of this variant on EYS protein function. In summary, the available evidence is currently insufficient to determine the role of this variant in disease. Therefore, it has been classified as a Variant of Uncertain Significance.

NM_001142800.2(EYS):c.4883C>T (p.Ser1628Phe)

Gene: EYS (eyes shut homolog; minus strand). Cytogenetic location: 6q12.
Variant type: single nucleotide variant.
Coding change: c.4883C>T on transcript NM_001142800.2 (MANE Select); coding-DNA position 4883, C replaced by T.
Protein change: p.Ser1628Phe; replaces serine 1628 with phenylalanine.
Molecular consequence: missense variant.
Genome position (GRCh38, 1-based): chr6:64,590,984, G>A on the plus strand (C>T on the coding strand, the complement: EYS is on the minus strand). VCF-style: chr6-64590984-G-A. GRCh37 (hg19) VCF-style: chr6-65300877-G-A.
Other names: c.4883C>T, p.Ser1628Phe (NM_001292009.2); short protein forms S1628F.
Identifiers: ClinVar variation 1424080 (VCV001424080.3), dbSNP rs1204019770, ClinGen allele CA364782331.
Genomic context (GRCh38, chr6:64,590,984, plus strand): 5'-GATTCTTCCAAGGATGAGGATAAAATTGTTCTTTTTGCACTCTTTTTAGAAGGAAATAAA[G>A]ATGGCACTTCTGTGAATGCCACTGATGGTGTTATTTCAGTAGCAGAAGAAAATGAATGCC-3'
Protein context (NP_001136272.1, residues 1618-1638): TPSVAFTEVP[Ser1628Phe]LFPSKKSAKR